The following is an entry in ClinVar:

NM_000038.6(APC):c.704dup (p.Leu235fs)

Gene: APC (APC regulator of Wnt signaling pathway; plus strand). Cytogenetic location: 5q22.2.
Variant type: Duplication.
Coding change: c.704dup on transcript NM_000038.6 (MANE Select); coding-DNA position 704, one base duplicated (T; older notation c.704dupT).
Protein change: p.Leu235fs; shifts the reading frame from leucine 235.
Molecular consequence: frameshift variant. On other transcripts: 5 prime UTR variant (4), non-coding transcript variant (2), intron variant (5).
Genome position (GRCh38, 1-based): chr5:112,792,504, T duplicated; the last of 4 consecutive T bases (chr5:112,792,501-112,792,504); duplicating any one gives the same sequence. VCF-style (leftmost placement, unchanged base first): chr5-112792500-C-CT. GRCh37 (hg19) VCF-style: chr5-112128197-C-CT.
Other names: c.704dupT (NM_000038.5); c.704dup, p.Leu235fs (NM_001127510.3, NM_001354895.2, NM_001354896.2 and 12 more transcripts); c.734dup, p.Leu245fs (NM_001354897.2, NM_001354902.2, NM_001407446.1); c.629dup, p.Leu210fs (NM_001354898.2, NM_001354904.2, NM_001407451.1); c.527dup, p.Leu176fs (NM_001354900.2, NM_001354901.2, NM_001354905.2 and 1 more transcripts); c.-332dup (NM_001354906.2, NM_001407470.1, NM_001407471.1 and 1 more transcripts); c.646-8775dup (NM_001407452.1, NM_001407469.1, NM_001354899.2 and 1 more transcripts); c.676-8775dup (NM_001127511.3); short protein forms L176fs, L210fs, L235fs, L245fs.
Identifiers: ClinVar variation 2584298 (VCV002584298.3), dbSNP rs2532633705, ClinGen allele CA915940212.

ClinVar aggregate classification (germline): Pathogenic. Review status: criteria provided, multiple submitters, no conflicts (2 of 4 stars). 2 submissions from 2 submitters: Pathogenic (2). Last evaluated 2025-07-07.

Conditions:
Hereditary cancer-predisposing syndrome. Also called: Hereditary neoplastic syndrome; Tumor predisposition; Hereditary Cancer Syndrome; Neoplastic Syndromes, Hereditary. Identifiers: Orphanet 140162, MedGen C0027672, MeSH D009386, MONDO:0015356.
Familial adenomatous polyposis 1 (FAP1). Also called: FAMILIAL ADENOMATOUS POLYPOSIS 1, ATTENUATED; POLYPOSIS, ADENOMATOUS INTESTINAL. Identifiers: MedGen C2713442, MONDO:0021056, OMIM 175100. Disease mechanism: loss of function.

Submissions (2):

Ambry Genetics
Classification: Pathogenic for Hereditary cancer-predisposing syndrome. Last evaluated: 2025-07-07. Review status: criteria provided, single submitter. Criteria: Ambry Variant Classification Scheme 2023. Collection method: clinical testing. Allele origin: germline.
Comment: The c.704dupT pathogenic mutation, located in coding exon 6 of the APC gene, results from a duplication of T at nucleotide position 704, causing a translational frameshift with a predicted alternate stop codon (p.L235Ffs*17). This variant is considered to be rare based on population cohorts in the Genome Aggregation Database (gnomAD). This alteration is expected to result in loss of function by premature protein truncation or nonsense-mediated mRNA decay. As such, this alteration is interpreted as a disease-causing mutation.

Myriad Genetics, Inc.
Classification: Pathogenic for Familial adenomatous polyposis 1. Last evaluated: 2023-04-27. Review status: criteria provided, single submitter. Criteria: Myriad Autosomal Dominant, Autosomal Recessive and X-Linked Classification Criteria (2023). Collection method: clinical testing. Allele origin: unknown.
Comment: This variant is considered pathogenic. This variant creates a frameshift predicted to result in premature protein truncation.